The following is an entry in ClinVar:

ClinVar aggregate classification (germline): Uncertain significance. Review status: criteria provided, multiple submitters, no conflicts (2 of 4 stars). 2 submissions from 2 submitters: Uncertain significance (2). Last evaluated 2023-12-14.

Conditions:
Familial cancer of breast. Also called: Hereditary breast cancer; hereditary breast carcinoma; BREAST CANCER, FAMILIAL. Identifiers: Orphanet 227535, MedGen C0346153, MONDO:0016419, OMIM 114480. Disease mechanism: loss of function.
Fanconi anemia complementation group J. Also called: BRIP1-Related Fanconi Anemia. Identifiers: Orphanet 84, MedGen C1836860, MONDO:0012187, OMIM 609054.
Hereditary cancer-predisposing syndrome. Also called: Hereditary Cancer Syndrome; Neoplastic Syndromes, Hereditary; Hereditary neoplastic syndrome; Tumor predisposition. Identifiers: Orphanet 140162, MedGen C0027672, MeSH D009386, MONDO:0015356.

Submissions (2):

Labcorp Genetics (formerly Invitae), Labcorp
Classification: Uncertain significance for Familial cancer of breast; Fanconi anemia complementation group J. Last evaluated: 2023-12-14. Review status: criteria provided, single submitter. Criteria: Invitae Variant Classification Sherloc (09022015). Collection method: clinical testing. Allele origin: germline.
Comment: This sequence change replaces glycine, which is neutral and non-polar, with glutamic acid, which is acidic and polar, at codon 315 of the BRIP1 protein (p.Gly315Glu). This variant is not present in population databases (gnomAD no frequency). This variant has not been reported in the literature in individuals affected with BRIP1-related conditions. ClinVar contains an entry for this variant (Variation ID: 823259). Advanced modeling of protein sequence and biophysical properties (such as structural, functional, and spatial information, amino acid conservation, physicochemical variation, residue mobility, and thermodynamic stability) performed at Invitae indicates that this missense variant is expected to disrupt BRIP1 protein function with a positive predictive value of 80%. In summary, the available evidence is currently insufficient to determine the role of this variant in disease. Therefore, it has been classified as a Variant of Uncertain Significance.

Ambry Genetics
Classification: Uncertain significance for Hereditary cancer-predisposing syndrome. Last evaluated: 2022-03-27. Review status: criteria provided, single submitter. Criteria: Ambry Variant Classification Scheme 2023. Collection method: clinical testing. Allele origin: germline.
Comment: The p.G315E variant (also known as c.944G>A), located in coding exon 7 of the BRIP1 gene, results from a G to A substitution at nucleotide position 944. The glycine at codon 315 is replaced by glutamic acid, an amino acid with similar properties. This amino acid position is well conserved in available vertebrate species. In addition, the in silico prediction for this alteration is inconclusive. Since supporting evidence is limited at this time, the clinical significance of this alteration remains unclear.

NM_032043.3(BRIP1):c.944G>A (p.Gly315Glu)

Gene: BRIP1 (BRCA1 interacting DNA helicase 1; minus strand). Cytogenetic location: 17q23.2.
Variant type: single nucleotide variant.
Coding change: c.944G>A on transcript NM_032043.3 (MANE Select); coding-DNA position 944, G replaced by A.
Protein change: p.Gly315Glu; replaces glycine 315 with glutamic acid.
Molecular consequence: missense variant.
Genome position (GRCh38, 1-based): chr17:61,801,449, C>T on the plus strand (G>A on the coding strand, the complement: BRIP1 is on the minus strand). VCF-style: chr17-61801449-C-T. GRCh37 (hg19) VCF-style: chr17-59878810-C-T.
Other names: short protein forms G315E.
Identifiers: ClinVar variation 823259 (VCV000823259.7), dbSNP rs867548960, ClinGen allele CA292286123.